The following is an entry in ClinVar:

ClinVar aggregate classification (germline): Benign. Review status: criteria provided, multiple submitters, no conflicts (2 of 4 stars). 6 submissions from 6 submitters: Benign (4). 2 of the submissions do not count toward it. Last evaluated 2026-01-31.

Conditions:
ATP5F1A-related disorder. Also called: ATP5F1A-related condition.

Allele frequency attached by ClinVar (database versions not stated): 1000 Genomes Project 0.00659; 1000 Genomes Project 30x 0.00718; gnomAD exomes 0.00786 and 0.01294; ExAC 0.00797; TOPMed 0.01071; gnomAD 0.01076 and 0.01119; ESP Exome Variant Server 0.01392.
gnomAD v4.1: 20,101 of 1,583,818 alleles (1.3%); highest among the groups gnomAD compares: Non-Finnish European, 1.5%; 187 homozygotes.

Submissions (6):

Labcorp Genetics (formerly Invitae), Labcorp
Classification: Benign. Last evaluated: 2026-01-31. Review status: criteria provided, single submitter. Criteria: Invitae Variant Classification Sherloc (09022015). Collection method: clinical testing. Allele origin: germline.

CeGaT Center for Human Genetics Tuebingen
Classification: Benign. Last evaluated: 2024-07-01. Review status: criteria provided, single submitter. Criteria: CeGaT Center For Human Genetics Tuebingen Variant Classification Criteria Version 2. Collection method: clinical testing. Allele origin: germline. Affected: yes. Observed: 13 variant alleles.
Comment: ATP5F1A: BS1, BS2

GeneDx
Classification: Benign. Last evaluated: 2018-11-02. Review status: criteria provided, single submitter. Criteria: GeneDx Variant Classification Process June 2021. Collection method: clinical testing. Allele origin: germline. Affected: yes.

Breakthrough Genomics
Classification: Benign. Review status: criteria provided, single submitter. Criteria: ACMG Guidelines, 2015. Collection method: not provided. Allele origin: germline. Inheritance: Autosomal recessive inheritance. Affected: yes.

PreventionGenetics, part of Exact Sciences
Classification: Benign for ATP5F1A-related condition. Last evaluated: 2019-04-30. Review status: no assertion criteria provided. Collection method: clinical testing. Allele origin: germline. Not counted in ClinVar's aggregate classification.
Comment: This variant is classified as benign based on ACMG/AMP sequence variant interpretation guidelines (Richards et al. 2015 PMID: 25741868, with internal and published modifications).

Mayo Clinic Laboratories, Mayo Clinic
Classification: Likely benign. Last evaluated: 2016-02-22. Review status: no assertion criteria provided. Collection method: clinical testing. Allele origin: unknown. Not counted in ClinVar's aggregate classification.

NM_004046.6(ATP5F1A):c.667A>G (p.Ile223Val)

Gene: ATP5F1A (ATP synthase F1 subunit alpha; minus strand). Cytogenetic location: 18q21.1.
Variant type: single nucleotide variant.
Coding change: c.667A>G on transcript NM_004046.6 (MANE Select); coding-DNA position 667, A replaced by G.
Protein change: p.Ile223Val; replaces isoleucine 223 with valine.
Molecular consequence: missense variant.
Genome position (GRCh38, 1-based): chr18:46,088,241, T>C on the plus strand (A>G on the coding strand, the complement: ATP5F1A is on the minus strand). VCF-style: chr18-46088241-T-C. GRCh37 (hg19) VCF-style: chr18-43668207-T-C.
Other names: c.517A>G, p.Ile173Val (NM_001001935.3, NM_001257335.2); c.667A>G, p.Ile223Val (NM_001001937.2); c.601A>G, p.Ile201Val (NM_001257334.2); short protein forms I223V, I173V, I201V.
Identifiers: ClinVar variation 382049 (VCV000382049.45), dbSNP rs77958705, ClinGen allele CA8950747.